The following is an entry in ClinVar:

ClinVar aggregate classification (germline): Uncertain significance (1 of 4 stars; one submission).

Conditions:
Arrhythmogenic cardiomyopathy with wooly hair and keratoderma. Also called: Carvajal syndrome; PALMOPLANTAR KERATODERMA WITH LEFT VENTRICULAR CARDIOMYOPATHY AND WOOLLY HAIR; Dilated cardiomyopathy with woolly hair and keratoderma; Arrhythmogenic cardiomyopathy with woolly hair and keratoderma. Identifiers: Orphanet 65282, MedGen C1854063, MONDO:0011581, OMIM 605676.
Arrhythmogenic right ventricular dysplasia 8 (ARVD8). Also called: Arrhythmogenic Right Ventricular Dysplasia/Cardiomyopathy 8; ARRHYTHMOGENIC RIGHT VENTRICULAR DYSPLASIA, FAMILIAL, 8; ARRHYTHMOGENIC RIGHT VENTRICULAR CARDIOMYOPATHY 8. Identifiers: MedGen C1843896, MONDO:0011831, OMIM 607450.

gnomAD v4.1: 1 of 1,614,106 alleles (0.000062%); highest among the groups gnomAD compares: African/African-American, 0.0013%; no homozygotes.

Submission:

Labcorp Genetics (formerly Invitae), Labcorp
Classification: Uncertain significance for Arrhythmogenic cardiomyopathy with wooly hair and keratoderma; Arrhythmogenic right ventricular dysplasia 8. Last evaluated: 2025-10-12. Review status: criteria provided, single submitter. Criteria: Invitae Variant Classification Sherloc (09022015). Collection method: clinical testing. Allele origin: germline.
Comment: This sequence change replaces tyrosine, which is neutral and polar, with asparagine, which is neutral and polar, at codon 2087 of the DSP protein (p.Tyr2087Asn). This variant is not present in population databases (gnomAD no frequency). This variant has not been reported in the literature in individuals affected with DSP-related conditions. An algorithm developed to predict the effect of missense changes on protein structure and function (PolyPhen-2) suggests that this variant is likely to be disruptive. In summary, the available evidence is currently insufficient to determine the role of this variant in disease. Therefore, it has been classified as a Variant of Uncertain Significance.

NM_004415.4(DSP):c.6259T>A (p.Tyr2087Asn)

Gene: DSP (desmoplakin; plus strand). Cytogenetic location: 6p24.3.
Variant type: single nucleotide variant.
Coding change: c.6259T>A on transcript NM_004415.4 (MANE Select); coding-DNA position 6259, T replaced by A.
Protein change: p.Tyr2087Asn; replaces tyrosine 2087 with asparagine.
Molecular consequence: missense variant.
Genome position (GRCh38, 1-based): chr6:7,583,521, T>A. VCF-style: chr6-7583521-T-A. GRCh37 (hg19) VCF-style: chr6-7583754-T-A.
Other names: c.4462T>A, p.Tyr1488Asn (NM_001008844.3); c.4930T>A, p.Tyr1644Asn (NM_001319034.2); short protein forms Y1644N, Y2087N, Y1488N.
Identifiers: ClinVar variation 4786397 (VCV004786397.1).